The following is an entry in ClinVar:

NM_001429.4(EP300):c.6840_6841dup (p.Gln2281fs)

Gene: EP300 (EP300 lysine acetyltransferase; plus strand). Cytogenetic location: 22q13.2.
Variant type: Duplication.
Coding change: c.6840_6841dup on transcript NM_001429.4 (MANE Select); coding-DNA positions 6840 to 6841, 2 bases duplicated (CC; older notation c.6840_6841dupCC).
Protein change: p.Gln2281fs; shifts the reading frame from glutamine 2281.
Molecular consequence: frameshift variant.
Genome position (GRCh38, 1-based): chr22:41,178,551-41,178,552, CC duplicated; duplicating any 2 consecutive bases within chr22:41,178,548-41,178,552 gives the same sequence; the c. name uses the placement nearest the transcript's 3' end. VCF-style (leftmost placement, unchanged base first): chr22-41178547-G-GCC. GRCh37 (hg19) VCF-style: chr22-41574551-G-GCC.
Other names: c.6762_6763dup, p.Gln2255fs (NM_001362843.2); short protein forms Q2255fs, Q2281fs.
Identifiers: ClinVar variation 1708323 (VCV001708323.2), dbSNP rs2517835557, ClinGen allele CA2580099842.

ClinVar aggregate classification (germline): Pathogenic (1 of 4 stars; one submission).

Submission:

Centre of Medical Genetics, University Hospital Muenster
Classification: Pathogenic. Last evaluated: 2021-12-10. Review status: criteria provided, single submitter. Criteria: ACMG Guidelines, 2015. Collection method: clinical testing. Allele origin: de novo. Affected: yes. Observed: 1 variant allele, 1 heterozygote.
Comment: ACMG categories: PVS1,PS2,PM2,PP3